The following is an entry in ClinVar:

ClinVar aggregate classification (germline): Uncertain significance (1 of 4 stars; one submission).

Conditions:
Inborn genetic diseases. Identifiers: MedGen C0950123, MeSH D030342.

Submission:

Ambry Genetics
Classification: Uncertain significance for Inborn genetic diseases. Last evaluated: 2024-12-14. Review status: criteria provided, single submitter. Criteria: Ambry Variant Classification Scheme 2023. Collection method: clinical testing. Allele origin: germline.
Comment: The p.M1031R variant (also known as c.3092T>G), located in coding exon 1 of the SAMD9 gene, results from a T to G substitution at nucleotide position 3092. The methionine at codon 1031 is replaced by arginine, an amino acid with similar properties. This amino acid position is conserved. In addition, the in silico prediction for this alteration is inconclusive. Based on the available evidence, the clinical significance of this variant remains unclear.

NM_017654.4(SAMD9):c.3092T>G (p.Met1031Arg)

Gene: SAMD9 (sterile alpha motif domain containing 9; minus strand). Cytogenetic location: 7q21.2.
Variant type: single nucleotide variant.
Coding change: c.3092T>G on transcript NM_017654.4 (MANE Select); coding-DNA position 3092, T replaced by G.
Protein change: p.Met1031Arg; replaces methionine 1031 with arginine.
Molecular consequence: missense variant.
Genome position (GRCh38, 1-based): chr7:93,103,006, A>C on the plus strand (T>G on the coding strand, the complement: SAMD9 is on the minus strand). VCF-style: chr7-93103006-A-C. GRCh37 (hg19) VCF-style: chr7-92732319-A-C.
Other names: c.3092T>G, p.Met1031Arg (NM_001193307.2); short protein forms M1031R.
Identifiers: ClinVar variation 3791902 (VCV003791902.1).